The following is an entry in ClinVar:

ClinVar aggregate classification (germline): Pathogenic (1 of 4 stars; one submission).

Submission:

Mayo Clinic Laboratories, Mayo Clinic
Classification: Pathogenic. Last evaluated: 2024-10-24. Review status: criteria provided, single submitter. Criteria: ACMG Guidelines, 2015. Collection method: clinical testing. Allele origin: germline. Observed: 1 variant allele.
Comment: PM2_supporting, PM6, PVS1

Literature cited by the submitters: PubMed 38434532.

NM_001355436.2(SPTB):c.1796-2A>G

Gene: SPTB (spectrin beta, erythrocytic; minus strand). Cytogenetic location: 14q23.3.
Variant type: single nucleotide variant.
Coding change: c.1796-2A>G on transcript NM_001355436.2 (MANE Select); the canonical splice acceptor site of the intron before coding-DNA position 1796, A replaced by G.
Molecular consequence: splice acceptor variant.
Genome position (GRCh38, 1-based): chr14:64,793,869, T>C on the plus strand (A>G on the coding strand, the complement: SPTB is on the minus strand). VCF-style: chr14-64793869-T-C. GRCh37 (hg19) VCF-style: chr14-65260587-T-C.
Other names: p.?; c.1796-2A>G (NM_001024858.4, NM_001355437.2).
Identifiers: ClinVar variation 4541860 (VCV004541860.1).